The following is an entry in ClinVar:

ClinVar aggregate classification (germline): Uncertain significance (1 of 4 stars; one submission).

Conditions:
Familial hemophagocytic lymphohistiocytosis 3 (FHL3). Also called: UNC13D-Related Familial Hemophagocytic Lymphohistiocytosis (UNC13D-fHLH). Identifiers: Orphanet 540, MedGen C1837174, MONDO:0012146, OMIM 608898.

Allele frequency attached by ClinVar (database versions not stated): TOPMed 0.00001; ExAC 0.00002.
gnomAD v4.1: 18 of 1,605,888 alleles (0.0011%); highest among the groups gnomAD compares: African/African-American, 0.0053%; no homozygotes.

Submission:

Labcorp Genetics (formerly Invitae), Labcorp
Classification: Uncertain significance for Familial hemophagocytic lymphohistiocytosis 3. Last evaluated: 2022-09-06. Review status: criteria provided, single submitter. Criteria: Invitae Variant Classification Sherloc (09022015). Collection method: clinical testing. Allele origin: germline.
Comment: This sequence change affects codon 1016 of the UNC13D mRNA. It is a 'silent' change, meaning that it does not change the encoded amino acid sequence of the UNC13D protein. This variant is present in population databases (rs111279039, gnomAD 0.01%). This variant has not been reported in the literature in individuals affected with UNC13D-related conditions. ClinVar contains an entry for this variant (Variation ID: 1055164). Algorithms developed to predict the effect of sequence changes on RNA splicing suggest that this variant may disrupt the consensus splice site. In summary, the available evidence is currently insufficient to determine the role of this variant in disease. Therefore, it has been classified as a Variant of Uncertain Significance.

NM_199242.3(UNC13D):c.3048C>T (p.Gly1016=)

Gene: UNC13D (unc-13 homolog D; minus strand). Cytogenetic location: 17q25.1.
Variant type: single nucleotide variant.
Coding change: c.3048C>T on transcript NM_199242.3 (MANE Select); coding-DNA position 3048, C replaced by T.
Protein change: p.Gly1016=; no amino-acid change (glycine 1016 retained).
Molecular consequence: synonymous variant.
Genome position (GRCh38, 1-based): chr17:75,828,890, G>A on the plus strand (C>T on the coding strand, the complement: UNC13D is on the minus strand). VCF-style: chr17-75828890-G-A. GRCh37 (hg19) VCF-style: chr17-73824971-G-A.
Identifiers: ClinVar variation 1055164 (VCV001055164.6), dbSNP rs111279039, ClinGen allele CA8772295.
Genomic context (GRCh38, chr17:75,828,890, plus strand): 5'-CTCACCAGGCTCCTCAGAGCCACTCAGCCCGGGCACCTCACGCAGCGGCAGGAAGGCCTC[G>A]CCTTCCAGGTCGTCGGCCCCCAGCGTGTCGTAGTCCAGCACGGTGAGCAGGAGGCATGCC-3'
Protein context (NP_954712.1, residues 1006-1026): YDTLGADDLE[Gly1016=]EAFLPLREVP